The following is an entry in ClinVar:

ClinVar aggregate classification (germline): Uncertain significance. Review status: criteria provided, multiple submitters, no conflicts (2 of 4 stars). 3 submissions from 3 submitters: Uncertain significance (3). Last evaluated 2025-11-05.

Conditions:
Developmental and epileptic encephalopathy, 62. Also called: Early infantile epileptic encephalopathy 62. Identifiers: MedGen C4693699, MONDO:0033371, OMIM 617938.

Allele frequency attached by ClinVar (database versions not stated): gnomAD exomes below 0.00001; TOPMed 0.00001; gnomAD 0.00001.
gnomAD v4.1: 2 of 1,590,954 alleles (0.00013%); highest among the groups gnomAD compares: Non-Finnish European, 0.00017%; no homozygotes.

Submissions (3):

GeneDx
Classification: Uncertain significance. Last evaluated: 2025-11-05. Review status: criteria provided, single submitter. Criteria: GeneDx Variant Classification Process June 2021. Collection method: clinical testing. Allele origin: germline.
Comment: Not observed at significant frequency in large population cohorts (gnomAD); In silico analysis supports that this missense variant has a deleterious effect on protein structure/function; Has not been previously published as pathogenic or benign to our knowledge

Labcorp Genetics (formerly Invitae), Labcorp
Classification: Uncertain significance. Last evaluated: 2025-10-02. Review status: criteria provided, single submitter. Criteria: Invitae Variant Classification Sherloc (09022015). Collection method: clinical testing. Allele origin: germline.
Comment: This sequence change replaces arginine, which is basic and polar, with glutamine, which is neutral and polar, at codon 851 of the SCN3A protein (p.Arg851Gln). This variant is not present in population databases (gnomAD no frequency). This variant has not been reported in the literature in individuals affected with SCN3A-related conditions. ClinVar contains an entry for this variant (Variation ID: 1445349). Invitae Evidence Modeling of protein sequence and biophysical properties (such as structural, functional, and spatial information, amino acid conservation, physicochemical variation, residue mobility, and thermodynamic stability) indicates that this missense variant is expected to disrupt SCN3A protein function with a positive predictive value of 95%. In summary, the available evidence is currently insufficient to determine the role of this variant in disease. Therefore, it has been classified as a Variant of Uncertain Significance.

Institute of Human Genetics, University of Leipzig Medical Center
Classification: Uncertain significance for Developmental and epileptic encephalopathy, 62. Last evaluated: 2022-04-12. Review status: criteria provided, single submitter. Criteria: ACMG Guidelines, 2015. Collection method: clinical testing. Allele origin: unknown. Affected: yes.
Comment: _x000D_ Criteria applied: PM2_SUP, PP3, PP2

NM_006922.4(SCN3A):c.2552G>A (p.Arg851Gln)

Gene: SCN3A (sodium voltage-gated channel alpha subunit 3; minus strand). Cytogenetic location: 2q24.3.
Variant type: single nucleotide variant.
Coding change: c.2552G>A on transcript NM_006922.4 (MANE Select); coding-DNA position 2552, G replaced by A.
Protein change: p.Arg851Gln; replaces arginine 851 with glutamine.
Molecular consequence: missense variant.
Genome position (GRCh38, 1-based): chr2:165,131,257, C>T on the plus strand (G>A on the coding strand, the complement: SCN3A is on the minus strand). VCF-style: chr2-165131257-C-T. GRCh37 (hg19) VCF-style: chr2-165987767-C-T.
Other names: c.2405G>A, p.Arg802Gln (NM_001081676.2, NM_001081677.2); c.2552G>A (NM_006922.3); short protein forms R802Q, R851Q.
Identifiers: ClinVar variation 1445349 (VCV001445349.9), dbSNP rs897312933, ClinGen allele CA59735148.